The following is an entry in ClinVar:

ClinVar aggregate classification (germline): Likely benign (1 of 4 stars; one submission).

Submission:

CeGaT Center for Human Genetics Tuebingen
Classification: Likely benign. Last evaluated: 2025-08-01. Review status: criteria provided, single submitter. Criteria: CeGaT Center For Human Genetics Tuebingen Variant Classification Criteria Version 2. Collection method: clinical testing. Allele origin: germline. Affected: yes. Observed: 1 variant allele.
Comment: GPC3: PM2:Supporting, BP4, BP7

NM_004484.4(GPC3):c.165T>C (p.Thr55=)

Gene: GPC3 (glypican 3; minus strand). Cytogenetic location: Xq26.2.
Variant type: single nucleotide variant.
Coding change: c.165T>C on transcript NM_004484.4 (MANE Select); coding-DNA position 165, T replaced by C.
Protein change: p.Thr55=; no amino-acid change (threonine 55 retained).
Molecular consequence: synonymous variant.
Genome position (GRCh38, 1-based): chrX:133,985,285, A>G on the plus strand (T>C on the coding strand, the complement: GPC3 is on the minus strand). VCF-style: chrX-133985285-A-G. GRCh37 (hg19) VCF-style: chrX-133119312-A-G.
Other names: c.165T>C, p.Thr55= (NM_001164617.2, NM_001164618.2, NM_001164619.2).
Identifiers: ClinVar variation 4084772 (VCV004084772.8).